The following is an entry in ClinVar:

NM_001042492.3(NF1):c.458_462delinsCTGAGAAATGC (p.Val153_Phe154delinsAlaGluLysCys)

Gene: NF1 (neurofibromin 1; plus strand). Cytogenetic location: 17q11.2.
Variant type: Indel.
Coding change: c.458_462delinsCTGAGAAATGC on transcript NM_001042492.3 (MANE Select); coding-DNA positions 458 to 462, TCTTT replaced by CTGAGAAATGC.
Protein change: p.Val153_Phe154delinsAlaGluLysCys.
Molecular consequence: inframe indel.
Genome position (GRCh38, 1-based): chr17:31,163,355-31,163,359, TCTTT replaced by CTGAGAAATGC. VCF-style: chr17-31163355-TCTTT-CTGAGAAATGC. GRCh37 (hg19) VCF-style: chr17-29490373-TCTTT-CTGAGAAATGC.
Other names: c.458_462delTCTTTinsCTGAGAAATGC, p.Val153_Phe154delinsAlaGluLysCys (NM_000267.3); c.458_462delinsCTGAGAAATGC, p.Val153_Phe154delinsAlaGluLysCys (NM_000267.4, NM_001128147.3).
Identifiers: ClinVar variation 5009423 (VCV005009423.1).
Genomic context (GRCh38, chr17:31,163,355, plus strand): 5'-AACTTCGGAATTCTGCCTCTGGGGTTTTATTTTCTCTCAGCTGCAACAACTTCAATGCAG[TCTTT>CTGAGAAATGC]AGTCGCATTTCTACCAGGTTAGTGTGTAAATCCACATGGGACTACTGAAGTAATATGAAT-3'

ClinVar aggregate classification (germline): Uncertain significance (1 of 4 stars; one submission).

Submission:

GeneDx
Classification: Uncertain significance. Last evaluated: 2026-02-19. Review status: criteria provided, single submitter. Criteria: GeneDx Variant Classification Process June 2021. Collection method: clinical testing. Allele origin: germline.
Comment: Not observed at significant frequency in large population cohorts (gnomAD); In-frame deletion of 2 amino acid(s) and insertion of 4 different amino acid(s) in a non-repeat region; In silico analysis supports a deleterious effect on protein structure/function; Has not been previously published as pathogenic or benign to our knowledge